The following is an entry in ClinVar:

ClinVar aggregate classification (germline): Likely benign. Review status: criteria provided, multiple submitters, no conflicts (2 of 4 stars). 3 submissions from 3 submitters: Likely benign (3). Last evaluated 2024-11-21.

Conditions:
LAMA2-related muscular dystrophy (LAMA2-RD). Also called: Laminin alpha 2-related dystrophy. Identifiers: MedGen C5679788, MONDO:0100228.

Allele frequency attached by ClinVar (database versions not stated): TOPMed 0.00002; ESP Exome Variant Server 0.00008.
gnomAD v4.1: 11 of 1,614,028 alleles (0.00068%); highest among the groups gnomAD compares: Non-Finnish European, 0.00093%; no homozygotes.

Submissions (3):

Blueprint Genetics
Classification: Likely benign. Last evaluated: 2024-11-21. Review status: criteria provided, single submitter. Criteria: ACMG Guidelines, 2015. Collection method: clinical testing. Allele origin: germline.

Labcorp Genetics (formerly Invitae), Labcorp
Classification: Likely benign for LAMA2-related muscular dystrophy. Last evaluated: 2024-07-31. Review status: criteria provided, single submitter. Criteria: Invitae Variant Classification Sherloc (09022015). Collection method: clinical testing. Allele origin: germline.

CeGaT Center for Human Genetics Tuebingen
Classification: Likely benign. Last evaluated: 2022-08-01. Review status: criteria provided, single submitter. Criteria: CeGaT Center For Human Genetics Tuebingen Variant Classification Criteria Version 2. Collection method: clinical testing. Allele origin: germline. Affected: yes. Observed: 1 variant allele.
Comment: LAMA2: BP4, BP7

NM_000426.4(LAMA2):c.3231C>A (p.Gly1077=)

Gene: LAMA2 (laminin subunit alpha 2; plus strand). Cytogenetic location: 6q22.33.
Variant type: single nucleotide variant.
Coding change: c.3231C>A on transcript NM_000426.4 (MANE Select); coding-DNA position 3231, C replaced by A.
Protein change: p.Gly1077=; no amino-acid change (glycine 1077 retained).
Molecular consequence: synonymous variant.
Genome position (GRCh38, 1-based): chr6:129,312,917, C>A. VCF-style: chr6-129312917-C-A. GRCh37 (hg19) VCF-style: chr6-129634062-C-A.
Other names: c.3231C>A, p.Gly1077= (NM_001079823.2).
Identifiers: ClinVar variation 1142927 (VCV001142927.34), dbSNP rs376529091, ClinGen allele CA3993214.